The following is an entry in ClinVar:

ClinVar aggregate classification (germline): Benign/Likely benign. Review status: criteria provided, multiple submitters, no conflicts (2 of 4 stars). 2 submissions from 2 submitters: Benign (1); Likely benign (1). Last evaluated 2024-09-12.

Conditions:
Hereditary diffuse gastric adenocarcinoma (HDGC). Also called: DIFFUSE GASTRIC AND LOBULAR BREAST CANCER SYNDROME. Identifiers: Orphanet 26106, MedGen C1708349, MONDO:0007648, OMIM 137215.

Allele frequency attached by ClinVar (database versions not stated): ExAC 0.00001; gnomAD exomes 0.00001.
gnomAD v4.1: 3 of 1,614,124 alleles (0.00019%); highest among the groups gnomAD compares: East Asian, 0.0045%; no homozygotes.

Submissions (2):

Myriad Genetics, Inc.
Classification: Benign for Hereditary diffuse gastric adenocarcinoma. Last evaluated: 2024-09-12. Review status: criteria provided, single submitter. Criteria: Myriad Autosomal Dominant, Autosomal Recessive and X-Linked Classification Criteria (2023). Collection method: clinical testing. Allele origin: unknown.
Comment: This variant is considered benign. This variant is a silent/synonymous amino acid change and it is not expected to impact splicing.

Labcorp Genetics (formerly Invitae), Labcorp
Classification: Likely benign for Hereditary diffuse gastric adenocarcinoma. Last evaluated: 2022-10-03. Review status: criteria provided, single submitter. Criteria: Invitae Variant Classification Sherloc (09022015). Collection method: clinical testing. Allele origin: germline.

NM_004360.5(CDH1):c.360G>A (p.Gly120=)

Gene: CDH1 (cadherin 1; plus strand). Cytogenetic location: 16q22.1.
Variant type: single nucleotide variant.
Coding change: c.360G>A on transcript NM_004360.5 (MANE Select); coding-DNA position 360, G replaced by A.
Protein change: p.Gly120=; no amino-acid change (glycine 120 retained).
Molecular consequence: synonymous variant. On other transcripts: 5 prime UTR variant (2).
Genome position (GRCh38, 1-based): chr16:68,801,866, G>A. VCF-style: chr16-68801866-G-A. GRCh37 (hg19) VCF-style: chr16-68835769-G-A.
Other names: c.360G>A, p.Gly120= (NM_001317184.2); c.-1256G>A (NM_001317185.2); c.-1460G>A (NM_001317186.2).
Identifiers: ClinVar variation 1134558 (VCV001134558.12), dbSNP rs757497479, ClinGen allele CA8129832.